The following is an entry in ClinVar:

ClinVar aggregate classification (germline): Uncertain significance (1 of 4 stars; one submission).

Submission:

Labcorp Genetics (formerly Invitae), Labcorp
Classification: Uncertain significance. Last evaluated: 2024-01-25. Review status: criteria provided, single submitter. Criteria: Invitae Variant Classification Sherloc (09022015). Collection method: clinical testing. Allele origin: germline.
Comment: This sequence change replaces alanine, which is neutral and non-polar, with valine, which is neutral and non-polar, at codon 298 of the GRIN2D protein (p.Ala298Val). This variant is not present in population databases (gnomAD no frequency). This variant has not been reported in the literature in individuals affected with GRIN2D-related conditions. ClinVar contains an entry for this variant (Variation ID: 1471800). Advanced modeling of protein sequence and biophysical properties (such as structural, functional, and spatial information, amino acid conservation, physicochemical variation, residue mobility, and thermodynamic stability) performed at Invitae indicates that this missense variant is not expected to disrupt GRIN2D protein function with a negative predictive value of 95%. In summary, the available evidence is currently insufficient to determine the role of this variant in disease. Therefore, it has been classified as a Variant of Uncertain Significance.

NM_000836.4(GRIN2D):c.893C>T (p.Ala298Val)

Gene: GRIN2D (glutamate ionotropic receptor NMDA type subunit 2D; plus strand). Cytogenetic location: 19q13.33.
Variant type: single nucleotide variant.
Coding change: c.893C>T on transcript NM_000836.4 (MANE Select); coding-DNA position 893, C replaced by T.
Protein change: p.Ala298Val; replaces alanine 298 with valine.
Molecular consequence: missense variant.
Genome position (GRCh38, 1-based): chr19:48,405,161, C>T. VCF-style: chr19-48405161-C-T. GRCh37 (hg19) VCF-style: chr19-48908418-C-T.
Other names: short protein forms A298V.
Identifiers: ClinVar variation 1471800 (VCV001471800.8), dbSNP rs2147441952, ClinGen allele CA406692739.